The following is an entry in ClinVar:

NM_000051.4(ATM):c.465_479del (p.Trp156_Ser160del)

Gene: ATM (ATM serine/threonine kinase; plus strand). Cytogenetic location: 11q22.3.
Variant type: Deletion.
Coding change: c.465_479del on transcript NM_000051.4 (MANE Select); coding-DNA positions 465 to 479, 15 bases deleted (CTGGTGTGAAATATC).
Protein change: p.Trp156_Ser160del.
Molecular consequence: inframe deletion.
Genome position (GRCh38, 1-based): chr11:108,235,803-108,235,817, CTGGTGTGAAATATC deleted. VCF-style (leftmost placement, unchanged base first): chr11-108235802-ACTGGTGTGAAATATC-A. GRCh37 (hg19) VCF-style: chr11-108106529-ACTGGTGTGAAATATC-A.
Other names: c.465_479del, p.Trp156_Ser160del (NM_001351834.2).
Identifiers: ClinVar variation 969627 (VCV000969627.9), dbSNP rs2079245695, ClinGen allele CA1139662259.
Genomic context (GRCh38, chr11:108,235,802, plus strand): 5'-CTATTTACGGAGCTGATTGTAGCAACATACTACTCAAAGACATTCTTTCTGTGAGAAAAT[ACTGGTGTGAAATATC>A]TCAGCAACAGTGGTTAGGTATGTTTTGAAGGTTGTTGTTTGTGAATTTTTCCTCATGAAA-3'

ClinVar aggregate classification (germline): Uncertain significance (1 of 4 stars; one submission).

Conditions:
Ataxia-telangiectasia syndrome (AT). Also called: ATAXIA-TELANGIECTASIA, FRESNO VARIANT; Ataxia-telangiectasia, complementation group E; Ataxia telangiectasia (A-T); LOUIS-BAR SYNDROME; Ataxia-telangiectasia, complementation group D; AT, COMPLEMENTATION GROUP C. Identifiers: Orphanet 100, MedGen C0004135, MONDO:0008840, OMIM 208900.

Submission:

Labcorp Genetics (formerly Invitae), Labcorp
Classification: Uncertain significance for Ataxia-telangiectasia syndrome. Last evaluated: 2019-11-07. Review status: criteria provided, single submitter. Criteria: Invitae Variant Classification Sherloc (09022015). Collection method: clinical testing. Allele origin: germline.
Comment: This variant, c.465_479del, results in the deletion of 5 amino acid(s) of the ATM protein (p.Trp156_Ser160del), but otherwise preserves the integrity of the reading frame. This variant is not present in population databases (ExAC no frequency). This variant has not been reported in the literature in individuals with ATM-related conditions. Experimental studies and prediction algorithms are not available or were not evaluated, and the functional significance of this variant is currently unknown. In summary, the available evidence is currently insufficient to determine the role of this variant in disease. Therefore, it has been classified as a Variant of Uncertain Significance.